The following is an entry in ClinVar:

ClinVar aggregate classification (germline): Uncertain significance (1 of 4 stars; one submission).

gnomAD v4.1: 1 of 1,613,014 alleles (0.000062%); highest among the groups gnomAD compares: African/African-American, 0.0013%; no homozygotes.

Submission:

Labcorp Genetics (formerly Invitae), Labcorp
Classification: Uncertain significance. Last evaluated: 2022-02-04. Review status: criteria provided, single submitter. Criteria: Invitae Variant Classification Sherloc (09022015). Collection method: clinical testing. Allele origin: germline.
Comment: This sequence change replaces valine, which is neutral and non-polar, with alanine, which is neutral and non-polar, at codon 651 of the MICAL1 protein (p.Val651Ala). This variant is not present in population databases (gnomAD no frequency). This variant has not been reported in the literature in individuals affected with MICAL1-related conditions. Algorithms developed to predict the effect of missense changes on protein structure and function are either unavailable or do not agree on the potential impact of this missense change (SIFT: "Deleterious"; PolyPhen-2: "Benign"; Align-GVGD: "Class C0"). In summary, the available evidence is currently insufficient to determine the role of this variant in disease. Therefore, it has been classified as a Variant of Uncertain Significance.

NM_022765.4(MICAL1):c.1895T>C (p.Val632Ala)

Gene: MICAL1 (microtubule associated monooxygenase, calponin and LIM domain containing 1; minus strand). Cytogenetic location: 6q21.
Variant type: single nucleotide variant.
Coding change: c.1895T>C on transcript NM_022765.4 (MANE Select); coding-DNA position 1895, T replaced by C.
Protein change: p.Val632Ala; replaces valine 632 with alanine.
Molecular consequence: missense variant.
Genome position (GRCh38, 1-based): chr6:109,447,924, A>G on the plus strand (T>C on the coding strand, the complement: MICAL1 is on the minus strand). VCF-style: chr6-109447924-A-G. GRCh37 (hg19) VCF-style: chr6-109769127-A-G.
Other names: c.1637T>C, p.Val546Ala (NM_001159291.2); c.1952T>C, p.Val651Ala (NM_001286613.2); short protein forms V632A, V651A, V546A.
Identifiers: ClinVar variation 2092761 (VCV002092761.4), dbSNP rs748012645, ClinGen allele CA365226623.